The following is an entry in ClinVar:

ClinVar aggregate classification (germline): Uncertain significance (1 of 4 stars; one submission).

Conditions:
Heterotopia, periventricular, X-linked dominant (PVNH1). Also called: PERIVENTRICULAR NODULAR HETEROTOPIA 4; HETEROTOPIA, PERIVENTRICULAR, 1; PERIVENTRICULAR NODULAR HETEROTOPIA 1; X-linked periventricular heterotopia. Identifiers: Orphanet 2149, Orphanet 82004, MedGen C1848213, MONDO:0010233, OMIM 300049.
Oto-palato-digital syndrome, type II (OPD2). Also called: Otopalatodigital Syndrome, Type II; FACIOPALATOOSSEOUS SYNDROME; OPD II SYNDROME; Otopalatodigital Syndrome Type 2 (FLNA-OPD2). Identifiers: Orphanet 669, Orphanet 90652, MedGen C1844696, MONDO:0010571, OMIM 304120.
Melnick-Needles syndrome (MNS). Also called: MELNICK-NEEDLES OSTEODYSPLASTY; OSTEODYSPLASTY OF MELNICK AND NEEDLES; Melnick-Needles Syndrome (FLNA-MNS). Identifiers: Orphanet 2484, MedGen C0025237, MONDO:0010650, OMIM 309350.
Frontometaphyseal dysplasia (FMD1). Identifiers: Orphanet 1826, MedGen C0265293, MONDO:0015942.

Submission:

Labcorp Genetics (formerly Invitae), Labcorp
Classification: Uncertain significance for Oto-palato-digital syndrome, type II; Heterotopia, periventricular, X-linked dominant; Frontometaphyseal dysplasia; Melnick-Needles syndrome. Last evaluated: 2025-11-08. Review status: criteria provided, single submitter. Criteria: Invitae Variant Classification Sherloc (09022015). Collection method: clinical testing. Allele origin: germline.
Comment: This sequence change replaces valine, which is neutral and non-polar, with methionine, which is neutral and non-polar, at codon 697 of the FLNA protein (p.Val697Met). This variant is not present in population databases (gnomAD no frequency). This variant has not been reported in the literature in individuals affected with FLNA-related conditions. Invitae Evidence Modeling of protein sequence and biophysical properties (such as structural, functional, and spatial information, amino acid conservation, physicochemical variation, residue mobility, and thermodynamic stability) indicates that this missense variant is not expected to disrupt FLNA protein function with a negative predictive value of 95%. In summary, the available evidence is currently insufficient to determine the role of this variant in disease. Therefore, it has been classified as a Variant of Uncertain Significance.

NM_001110556.2(FLNA):c.2089G>A (p.Val697Met)

Gene: FLNA (filamin A; minus strand). Cytogenetic location: Xq28.
Variant type: single nucleotide variant.
Coding change: c.2089G>A on transcript NM_001110556.2 (MANE Select); coding-DNA position 2089, G replaced by A.
Protein change: p.Val697Met; replaces valine 697 with methionine.
Molecular consequence: missense variant.
Genome position (GRCh38, 1-based): chrX:154,364,306, C>T on the plus strand (G>A on the coding strand, the complement: FLNA is on the minus strand). VCF-style: chrX-154364306-C-T. GRCh37 (hg19) VCF-style: chrX-153592674-C-T.
Other names: c.2089G>A, p.Val697Met (NM_001456.4); short protein forms V697M.
Identifiers: ClinVar variation 4789595 (VCV004789595.1).